The following is an entry in ClinVar:

NM_020964.3(EPG5):c.752A>T (p.Glu251Val)

Gene: EPG5 (ectopic P-granules 5 autophagy tethering factor; minus strand). Cytogenetic location: 18q21.1.
Variant type: single nucleotide variant.
Coding change: c.752A>T on transcript NM_020964.3 (MANE Select); coding-DNA position 752, A replaced by T.
Protein change: p.Glu251Val; replaces glutamic acid 251 with valine.
Molecular consequence: missense variant.
Genome position (GRCh38, 1-based): chr18:45,954,650, T>A on the plus strand (A>T on the coding strand, the complement: EPG5 is on the minus strand). VCF-style: chr18-45954650-T-A. GRCh37 (hg19) VCF-style: chr18-43534616-T-A.
Other names: short protein forms E251V.
Identifiers: ClinVar variation 1379313 (VCV001379313.4), dbSNP rs764715323, ClinGen allele CA8949894.

ClinVar aggregate classification (germline): Uncertain significance (1 of 4 stars; one submission).

Conditions:
Vici syndrome (VICIS). Identifiers: Orphanet 1493, MedGen C1855772, MONDO:0009452, OMIM 242840.

Allele frequency attached by ClinVar (database versions not stated): gnomAD exomes below 0.00001 and 0.00004; TOPMed below 0.00001; ExAC 0.00001; gnomAD 0.00001.
gnomAD v4.1: 58 of 1,614,144 alleles (0.0036%); highest among the groups gnomAD compares: Non-Finnish European, 0.0048%; no homozygotes.

Submission:

Labcorp Genetics (formerly Invitae), Labcorp
Classification: Uncertain significance for Vici syndrome. Last evaluated: 2022-03-11. Review status: criteria provided, single submitter. Criteria: Invitae Variant Classification Sherloc (09022015). Collection method: clinical testing. Allele origin: germline.
Comment: This sequence change replaces glutamic acid, which is acidic and polar, with valine, which is neutral and non-polar, at codon 251 of the EPG5 protein (p.Glu251Val). This variant is present in population databases (rs764715323, gnomAD 0.0009%). This variant has not been reported in the literature in individuals affected with EPG5-related conditions. Algorithms developed to predict the effect of missense changes on protein structure and function are either unavailable or do not agree on the potential impact of this missense change (SIFT: "Deleterious"; PolyPhen-2: "Probably Damaging"; Align-GVGD: "Class C0"). Algorithms developed to predict the effect of sequence changes on RNA splicing suggest that this variant may create or strengthen a splice site. In summary, the available evidence is currently insufficient to determine the role of this variant in disease. Therefore, it has been classified as a Variant of Uncertain Significance.